The following is an entry in ClinVar:

ClinVar aggregate classification (germline): Uncertain significance (1 of 4 stars; one submission).

Conditions:
Inborn genetic diseases. Identifiers: MedGen C0950123, MeSH D030342.

gnomAD v4.1: 1 of 1,614,042 alleles (0.000062%); highest among the groups gnomAD compares: Non-Finnish European, 0.000085%; no homozygotes.

Submission:

Ambry Genetics
Classification: Uncertain significance for Inborn genetic diseases. Last evaluated: 2026-06-09. Review status: criteria provided, single submitter. Criteria: Ambry Variant Classification Scheme 2023. Collection method: clinical testing. Allele origin: germline.
Comment: The c.1711G>C (p.A571P) alteration is located in exon 2 (coding exon 2) of the CDK13 gene. This alteration results from a G to C substitution at nucleotide position 1711, causing the alanine (A) at amino acid position 571 to be replaced by a proline (P). Based on data from gnomAD, the C allele has an overall frequency of <0.001% (1/251412) total alleles studied. The highest observed frequency was 0.001% (1/113712) of European (non-Finnish) alleles. Based on insufficient or conflicting evidence, the clinical significance of this alteration remains unclear.

NM_003718.5(CDK13):c.1711G>C (p.Ala571Pro)

Gene: CDK13 (cyclin dependent kinase 13; plus strand). Cytogenetic location: 7p14.1.
Variant type: single nucleotide variant.
Coding change: c.1711G>C on transcript NM_003718.5 (MANE Select); coding-DNA position 1711, G replaced by C.
Protein change: p.Ala571Pro; replaces alanine 571 with proline.
Molecular consequence: missense variant.
Genome position (GRCh38, 1-based): chr7:39,988,098, G>C. VCF-style: chr7-39988098-G-C. GRCh37 (hg19) VCF-style: chr7-40027697-G-C.
Other names: c.1711G>C, p.Ala571Pro (NM_031267.4); short protein forms A571P.
Identifiers: ClinVar variation 4868597 (VCV004868597.1).
Genomic context (GRCh38, chr7:39,988,098, plus strand): 5'-AATTTGATTGTAGATAAAGCCACCAAGAAAGCAGTCATAGTTGGAAAGGAGAGTAAATCT[G>C]CTGCTACAAAGGAGGAATCAGTATCTCTTAAAGAGAAAACCAAACCACTTACACCAAGCA-3'
Protein context (NP_003709.3, residues 561-581): AVIVGKESKS[Ala571Pro]ATKEESVSLK